The following is an entry in ClinVar:

NM_004963.4(GUCY2C):c.2384G>A (p.Arg795Lys)

Gene: GUCY2C (guanylate cyclase 2C; minus strand). Cytogenetic location: 12p12.3.
Variant type: single nucleotide variant.
Coding change: c.2384G>A on transcript NM_004963.4 (MANE Select); coding-DNA position 2384, G replaced by A.
Protein change: p.Arg795Lys; replaces arginine 795 with lysine.
Molecular consequence: missense variant.
Genome position (GRCh38, 1-based): chr12:14,625,781, C>T on the plus strand (G>A on the coding strand, the complement: GUCY2C is on the minus strand). VCF-style: chr12-14625781-C-T. GRCh37 (hg19) VCF-style: chr12-14778715-C-T.
Other names: short protein forms R795K.
Identifiers: ClinVar variation 1444249 (VCV001444249.22), dbSNP rs147296490, ClinGen allele CA6463088.
Genomic context (GRCh38, chr12:14,625,781, plus strand): 5'-GGATTTCAGCCTCCACATCAGCAAGGCTTGCCTTACCTTGGAAGCAACATAAAGTTAAGT[C>T]TGTCAGCCCTGTCCCTCTCTGCCTTGTACAGCTGTGTCCTTTCCTCTACCAGATGTTCCA-3'
Protein context (NP_004954.2, residues 785-805): LYKAERDRAD[Arg795Lys]LNFMLLPRLV

ClinVar aggregate classification (germline): Conflicting classifications of pathogenicity. Review status: criteria provided, conflicting classifications (1 of 4 stars). 3 submissions from 3 submitters: Uncertain significance (1); Likely benign (2). Last evaluated 2025-12-11.

Conditions:
Congenital secretory diarrhea, chloride type (DIAR1). Also called: CHLORIDORRHEA, CONGENITAL; CHLORIDE DIARRHEA, CONGENITAL, FINNISH TYPE; DIARRHEA 1, SECRETORY CHLORIDE, CONGENITAL. Identifiers: Orphanet 53689, MedGen C0267662, MONDO:0008964, OMIM 214700.

Allele frequency attached by ClinVar (database versions not stated): gnomAD 0.00016 and 0.00019; ExAC 0.00017; 1000 Genomes Project 30x 0.00031; gnomAD exomes 0.00036 and 0.00014; ESP Exome Variant Server 0.00038; 1000 Genomes Project 0.00040; TOPMed 0.00015.
gnomAD v4.1: 535 of 1,613,964 alleles (0.033%); highest among the groups gnomAD compares: Non-Finnish European, 0.044%; no homozygotes.

Submissions (3):

Labcorp Genetics (formerly Invitae), Labcorp
Classification: Uncertain significance. Last evaluated: 2025-12-11. Review status: criteria provided, single submitter. Criteria: Invitae Variant Classification Sherloc (09022015). Collection method: clinical testing. Allele origin: germline.
Comment: This sequence change replaces arginine, which is basic and polar, with lysine, which is basic and polar, at codon 795 of the GUCY2C protein (p.Arg795Lys). This variant is present in population databases (rs147296490, gnomAD 0.03%). This variant has not been reported in the literature in individuals affected with GUCY2C-related conditions. ClinVar contains an entry for this variant (Variation ID: 1444249). Invitae Evidence Modeling of protein sequence and biophysical properties (such as structural, functional, and spatial information, amino acid conservation, physicochemical variation, residue mobility, and thermodynamic stability) indicates that this missense variant is not expected to disrupt GUCY2C protein function with a negative predictive value of 80%. In summary, the available evidence is currently insufficient to determine the role of this variant in disease. Therefore, it has been classified as a Variant of Uncertain Significance.

CeGaT Center for Human Genetics Tuebingen
Classification: Likely benign. Last evaluated: 2024-11-01. Review status: criteria provided, single submitter. Criteria: CeGaT Center For Human Genetics Tuebingen Variant Classification Criteria Version 2. Collection method: clinical testing. Allele origin: germline. Affected: yes. Observed: 1 variant allele.
Comment: GUCY2C: BS1:Supporting

Genetics and Molecular Pathology, SA Pathology
Classification: Likely benign for Congenital secretory diarrhea, chloride type. Last evaluated: 2022-07-06. Review status: criteria provided, single submitter. Criteria: ACMG Guidelines, 2015. Collection method: clinical testing. Allele origin: germline. Inheritance: Autosomal dominant inheritance. Affected: yes.